The following is an entry in ClinVar:

NM_002529.4(NTRK1):c.662G>T (p.Gly221Val)

Gene: NTRK1 (neurotrophic receptor tyrosine kinase 1; plus strand). Cytogenetic location: 1q23.1.
Variant type: single nucleotide variant.
Coding change: c.662G>T on transcript NM_002529.4 (MANE Select); coding-DNA position 662, G replaced by T.
Protein change: p.Gly221Val; replaces glycine 221 with valine.
Molecular consequence: missense variant.
Genome position (GRCh38, 1-based): chr1:156,868,592, G>T. VCF-style: chr1-156868592-G-T. GRCh37 (hg19) VCF-style: chr1-156838384-G-T.
Other names: c.662G>T (NM_002529.3); c.572G>T, p.Gly191Val (NM_001007792.1); c.662G>T, p.Gly221Val (NM_001012331.2); short protein forms G221V, G191V.
Identifiers: ClinVar variation 566941 (VCV000566941.11), dbSNP rs369478563, ClinGen allele CA31108981.

ClinVar aggregate classification (germline): Uncertain significance. Review status: criteria provided, multiple submitters, no conflicts (2 of 4 stars). 4 submissions from 4 submitters: Uncertain significance (3). 1 of the submissions does not count toward it. Last evaluated 2025-08-28.

Conditions:
Hereditary insensitivity to pain with anhidrosis (CIPA). Also called: INSENSITIVITY TO PAIN, CONGENITAL, WITH ANHIDROSIS; hereditary sensory and autonomic neuropathy type 4; HSAN Type IV; NTRK1 Congenital Insensitivity to Pain with Anhidrosis; FAMILIAL DYSAUTONOMIA, TYPE II; NEUROPATHY, CONGENITAL SENSORY, WITH ANHIDROSIS. Identifiers: Orphanet 642, MedGen C0020074, MONDO:0009746, OMIM 256800.
NTRK1-related disorder. Also called: NTRK1-related condition.
Inborn genetic diseases. Identifiers: MedGen C0950123, MeSH D030342.

Allele frequency attached by ClinVar (database versions not stated): TOPMed 0.00002; ESP Exome Variant Server 0.00008.
gnomAD v4.1: 34 of 1,551,642 alleles (0.0022%); highest among the groups gnomAD compares: Non-Finnish European, 0.0027%; no homozygotes.

Submissions (4):

PreventionGenetics, part of Exact Sciences
Classification: Uncertain significance for NTRK1-related condition. Last evaluated: 2025-08-28. Review status: criteria provided, single submitter. Criteria: ACMG Guidelines, 2015. Collection method: clinical testing. Allele origin: germline.
Comment: The NTRK1 c.662G>T variant is predicted to result in the amino acid substitution p.Gly221Val. To our knowledge, this variant has not been reported in the literature. This variant is reported in 0.0053% of alleles in individuals of European (non-Finnish) descent in gnomAD. At this time, the clinical significance of this variant is uncertain due to the absence of conclusive functional and genetic evidence.

Ambry Genetics
Classification: Uncertain significance for Inborn genetic diseases. Last evaluated: 2024-04-12. Review status: criteria provided, single submitter. Criteria: Ambry Variant Classification Scheme 2023. Collection method: clinical testing. Allele origin: germline.

Labcorp Genetics (formerly Invitae), Labcorp
Classification: Uncertain significance for Hereditary insensitivity to pain with anhidrosis. Last evaluated: 2022-08-23. Review status: criteria provided, single submitter. Criteria: Invitae Variant Classification Sherloc (09022015). Collection method: clinical testing. Allele origin: germline.
Comment: This sequence change replaces glycine, which is neutral and non-polar, with valine, which is neutral and non-polar, at codon 221 of the NTRK1 protein (p.Gly221Val). This variant is present in population databases (rs369478563, gnomAD 0.004%). This variant has not been reported in the literature in individuals affected with NTRK1-related conditions. ClinVar contains an entry for this variant (Variation ID: 566941). Advanced modeling of protein sequence and biophysical properties (such as structural, functional, and spatial information, amino acid conservation, physicochemical variation, residue mobility, and thermodynamic stability) performed at Invitae indicates that this missense variant is not expected to disrupt NTRK1 protein function. In summary, the available evidence is currently insufficient to determine the role of this variant in disease. Therefore, it has been classified as a Variant of Uncertain Significance.

Natera, Inc.
Classification: Uncertain significance for Hereditary insensitivity to pain with anhidrosis. Last evaluated: 2019-11-11. Review status: no assertion criteria provided. Collection method: clinical testing. Allele origin: germline. Not counted in ClinVar's aggregate classification.